The following is an entry in ClinVar:

ClinVar aggregate classification (germline): Uncertain significance. Review status: criteria provided, multiple submitters, no conflicts (2 of 4 stars). 2 submissions from 2 submitters: Uncertain significance (2). Last evaluated 2026-09-27.

Conditions:
Seizures, benign familial infantile, 3 (BFIS3). Also called: CONVULSIONS, BENIGN FAMILIAL INFANTILE, 3; Familial neonatal seizures. Identifiers: Orphanet 140927, Orphanet 306, MedGen C1843140, MONDO:0011904, OMIM 607745.
Developmental and epileptic encephalopathy, 11 (DEE11). Also called: Early infantile epileptic encephalopathy 11. Identifiers: Orphanet 1934, MedGen C3150987, MONDO:0013388, OMIM 613721.

Allele frequency attached by ClinVar (database versions not stated): gnomAD exomes below 0.00001.

Submissions (2):

GeneDx
Classification: Uncertain significance. Last evaluated: 2026-09-27. Review status: criteria provided, single submitter. Criteria: GeneDx Variant Classification Process June 2021. Collection method: clinical testing. Allele origin: germline.
Comment: Not observed at significant frequency in large population cohorts (gnomAD); In silico analysis suggests this variant may impact gene splicing. In the absence of RNA/functional studies, the actual effect of this sequence change is unknown.; In silico analysis supports that this missense variant has a deleterious effect on protein structure/function; This substitution is predicted to be within the intracellular loop between the S2 and S3 transmembrane segments of the first homologous domain.; Has not been previously published as pathogenic or benign to our knowledge

Labcorp Genetics (formerly Invitae), Labcorp
Classification: Uncertain significance for Seizures, benign familial infantile, 3; Developmental and epileptic encephalopathy, 11. Last evaluated: 2024-12-15. Review status: criteria provided, single submitter. Criteria: Invitae Variant Classification Sherloc (09022015). Collection method: clinical testing. Allele origin: germline.
Comment: This sequence change replaces arginine, which is basic and polar, with glutamine, which is neutral and polar, at codon 188 of the SCN2A protein (p.Arg188Gln). This variant is present in population databases (no rsID available, gnomAD 0.003%). This variant has not been reported in the literature in individuals affected with SCN2A-related conditions. ClinVar contains an entry for this variant (Variation ID: 1704152). Invitae Evidence Modeling of protein sequence and biophysical properties (such as structural, functional, and spatial information, amino acid conservation, physicochemical variation, residue mobility, and thermodynamic stability) indicates that this missense variant is expected to disrupt SCN2A protein function with a positive predictive value of 95%. Algorithms developed to predict the effect of sequence changes on RNA splicing suggest that this variant may disrupt the consensus splice site. In summary, the available evidence is currently insufficient to determine the role of this variant in disease. Therefore, it has been classified as a Variant of Uncertain Significance.

NM_001040142.2(SCN2A):c.563G>A (p.Arg188Gln)

Gene: SCN2A (sodium voltage-gated channel alpha subunit 2; plus strand). Cytogenetic location: 2q24.3.
Variant type: single nucleotide variant.
Coding change: c.563G>A on transcript NM_001040142.2 (MANE Select); coding-DNA position 563, G replaced by A.
Protein change: p.Arg188Gln; replaces arginine 188 with glutamine.
Molecular consequence: missense variant.
Genome position (GRCh38, 1-based): chr2:165,308,752, G>A. VCF-style: chr2-165308752-G-A. GRCh37 (hg19) VCF-style: chr2-166165262-G-A.
Other names: c.563G>A, p.Arg188Gln (NM_001040143.2, NM_001371246.1, NM_001371247.1 and 1 more transcripts); short protein forms R188Q.
Identifiers: ClinVar variation 1704152 (VCV001704152.8), dbSNP rs1482814284, ClinGen allele CA349016587.
Genomic context (GRCh38, chr2:165,308,752, plus strand): 5'-TTGAATCACTTATTAAAATACTTGCAAGGGGCTTTTGTTTAGAAGATTTCACATTTTTAC[G>A]GGATCCATGGAATTGGTTGGATTTCACAGTCATTACTTTTGCGTAAGTATCTTAATACAT-3'
Protein context (NP_001035232.1, residues 178-198): GFCLEDFTFL[Arg188Gln]DPWNWLDFTV